The following is an entry in ClinVar:

ClinVar aggregate classification (germline): Uncertain significance. Review status: criteria provided, multiple submitters, no conflicts (2 of 4 stars). 2 submissions from 2 submitters: Uncertain significance (2). Last evaluated 2020-02-21.

Conditions:
MEGF10-related myopathy (CMYO10A). Also called: Congenital myopathy 10A, severe variant. Identifiers: Orphanet 439212, MedGen C3280679, MONDO:0013731, OMIM 614399.

Allele frequency attached by ClinVar (database versions not stated): gnomAD exomes below 0.00001.
gnomAD v4.1: 1 of 1,614,108 alleles (0.000062%); highest among the groups gnomAD compares: Admixed American, 0.0017%; no homozygotes.

Submissions (2):

Labcorp Genetics (formerly Invitae), Labcorp
Classification: Uncertain significance for MEGF10-related myopathy. Last evaluated: 2020-02-21. Review status: criteria provided, single submitter. Criteria: Invitae Variant Classification Sherloc (09022015). Collection method: clinical testing. Allele origin: germline.
Comment: In summary, the available evidence is currently insufficient to determine the role of this variant in disease. Therefore, it has been classified as a Variant of Uncertain Significance. Algorithms developed to predict the effect of missense changes on protein structure and function are either unavailable or do not agree on the potential impact of this missense change (SIFT: "Deleterious"; PolyPhen-2: "Benign"; Align-GVGD: "Class C0"). This variant has not been reported in the literature in individuals with MEGF10-related conditions. This variant is not present in population databases (ExAC no frequency). This sequence change replaces serine with arginine at codon 915 of the MEGF10 protein (p.Ser915Arg). The serine residue is moderately conserved and there is a moderate physicochemical difference between serine and arginine.

GeneDx
Classification: Uncertain significance. Last evaluated: 2019-11-20. Review status: criteria provided, single submitter. Criteria: GeneDx Variant Classification Process June 2021. Collection method: clinical testing. Allele origin: germline. Affected: yes.
Comment: Not observed at a significant frequency in large population cohorts (Lek et al., 2016); In silico analysis, which includes protein predictors and evolutionary conservation, supports that this variant does not alter protein structure/function; Has not been previously published as pathogenic or benign to our knowledge

NM_001256545.2(MEGF10):c.2743A>C (p.Ser915Arg)

Gene: MEGF10 (multiple EGF like domains 10; plus strand). Cytogenetic location: 5q23.2.
Variant type: single nucleotide variant.
Coding change: c.2743A>C on transcript NM_001256545.2 (MANE Select); coding-DNA position 2743, A replaced by C.
Protein change: p.Ser915Arg; replaces serine 915 with arginine.
Molecular consequence: missense variant.
Genome position (GRCh38, 1-based): chr5:127,447,571, A>C. VCF-style: chr5-127447571-A-C. GRCh37 (hg19) VCF-style: chr5-126783263-A-C.
Other names: c.2743A>C, p.Ser915Arg (NM_032446.3); short protein forms S915R.
Identifiers: ClinVar variation 1011268 (VCV001011268.15), dbSNP rs1387603431, ClinGen allele CA360735068.